The following is an entry in ClinVar:

ClinVar aggregate classification (germline): Benign/Likely benign. Review status: criteria provided, multiple submitters, no conflicts (2 of 4 stars). 3 submissions from 3 submitters: Benign (1); Likely benign (2). Last evaluated 2021-05-12.

Conditions:
Retinitis pigmentosa (RP). Identifiers: Orphanet 791, MedGen C0035334, MeSH D012174, MONDO:0019200, OMIM 268000. Inheritance: Autosomal dominant, autosomal recessive and X linked inheritance.

Allele frequency attached by ClinVar (database versions not stated): gnomAD exomes 0.00560 and 0.01461; ExAC 0.01810; gnomAD 0.05452 and 0.05835; TOPMed 0.06028; ESP Exome Variant Server 0.06182; 1000 Genomes Project 0.06989; 1000 Genomes Project 30x 0.07683.
gnomAD v4.1: 16,839 of 1,613,486 alleles (1%); highest among the groups gnomAD compares: African/African-American, 19%; 1,373 homozygotes.

Submissions (3):

GeneDx
Classification: Benign. Last evaluated: 2021-05-12. Review status: criteria provided, single submitter. Criteria: GeneDx Variant Classification Process June 2021. Collection method: clinical testing. Allele origin: germline. Affected: yes.

Illumina Laboratory Services, Illumina
Classification: Likely benign for Retinitis pigmentosa. Last evaluated: 2017-04-27. Review status: criteria provided, single submitter. Criteria: ICSL Variant Classification Criteria 13 December 2019. Collection method: clinical testing. Allele origin: germline.
Comment: This variant was observed as part of a predisposition screen in an ostensibly healthy population. A literature search was performed for the gene, cDNA change, and amino acid change (where applicable). No publications were found based on this search. Allele frequency data from public databases allowed determination this variant is unlikely to cause disease. Therefore, this variant is classified as likely benign.

Breakthrough Genomics
Classification: Likely benign. Review status: criteria provided, single submitter. Criteria: ACMG Guidelines, 2015. Collection method: not provided. Allele origin: germline. Inheritance: Autosomal recessive inheritance. Affected: yes.

NM_006899.5(IDH3B):c.*235A>G

Genes: IDH3B (isocitrate dehydrogenase (NAD(+)) 3 non-catalytic subunit beta; minus strand), LOC129391150 (MPRA-validated peak4124 silencer; plus strand). Cytogenetic location: 20p13.
Variant type: single nucleotide variant.
Coding change: c.*235A>G on transcript NM_006899.5 (MANE Select); 235 bases downstream of the stop codon, A replaced by G.
Molecular consequence: 3 prime UTR variant. On other transcripts: missense variant (2), non-coding transcript variant (1).
Genome position (GRCh38, 1-based): chr20:2,658,516, T>C on the plus strand (A>G on the coding strand, the complement: IDH3B is on the minus strand). VCF-style: chr20-2658516-T-C. GRCh37 (hg19) VCF-style: chr20-2639162-T-C.
Other names: c.1157A>G, p.Asn386Ser (NM_001330763.2); c.1078A>G, p.Thr360Ala (NM_174855.4); short protein forms N386S, T360A.
Identifiers: ClinVar variation 338008 (VCV000338008.7), dbSNP rs8296, ClinGen allele CA9734993.